The following is an entry in ClinVar:

ClinVar aggregate classification (germline): Benign. Review status: criteria provided, single submitter (1 of 4 stars). 2 submissions from 2 submitters: Benign (1). 1 of the submissions does not count toward it. Last evaluated 2026-04-01.

Conditions:
CHD3-related disorder. Also called: CHD3-related condition.

Allele frequency attached by ClinVar (database versions not stated): 1000 Genomes Project 0.00140; ESP Exome Variant Server 0.00170; TOPMed 0.00226.
gnomAD v4.1: 3,960 of 1,584,780 alleles (0.25%); highest among the groups gnomAD compares: Non-Finnish European, 0.24%; 19 homozygotes.

Submissions (2):

CeGaT Center for Human Genetics Tuebingen
Classification: Benign. Last evaluated: 2026-04-01. Review status: criteria provided, single submitter. Criteria: CeGaT Center For Human Genetics Tuebingen Variant Classification Criteria Version 2. Collection method: clinical testing. Allele origin: germline. Affected: yes. Observed: 25 variant alleles.
Comment: CHD3: BP4, BP7, BS1, BS2

PreventionGenetics, part of Exact Sciences
Classification: Benign for CHD3-related condition. Last evaluated: 2019-04-30. Review status: no assertion criteria provided. Collection method: clinical testing. Allele origin: germline. Not counted in ClinVar's aggregate classification.
Comment: This variant is classified as benign based on ACMG/AMP sequence variant interpretation guidelines (Richards et al. 2015 PMID: 25741868, with internal and published modifications).

NM_001005273.3(CHD3):c.711C>G (p.Ser237=)

Gene: CHD3 (chromodomain helicase DNA binding protein 3; plus strand). Cytogenetic location: 17p13.1.
Variant type: single nucleotide variant.
Coding change: c.711C>G on transcript NM_001005273.3 (MANE Select); coding-DNA position 711, C replaced by G.
Protein change: p.Ser237=; no amino-acid change (serine 237 retained).
Molecular consequence: synonymous variant.
Genome position (GRCh38, 1-based): chr17:7,893,487, C>G. VCF-style: chr17-7893487-C-G. GRCh37 (hg19) VCF-style: chr17-7796805-C-G.
Other names: c.888C>G (NM_001005271.2); c.888C>G, p.Ser296= (NM_001005271.3); c.711C>G, p.Ser237= (NM_005852.4).
Identifiers: ClinVar variation 1694826 (VCV001694826.32), dbSNP rs199898244, ClinGen allele CA8362434.